The following is an entry in ClinVar:

ClinVar aggregate classification (germline): Likely benign. Review status: criteria provided, multiple submitters, no conflicts (2 of 4 stars). 2 submissions from 2 submitters: Likely benign (2). Last evaluated 2025-04-24.

Conditions:
COL9A1-related disorder. Also called: COL9A1-related condition; COL9A1-related disorders.

Allele frequency attached by ClinVar (database versions not stated): TOPMed below 0.00001; ExAC 0.00002; ESP Exome Variant Server 0.00008.
gnomAD v4.1: 3 of 1,612,336 alleles (0.00019%); highest among the groups gnomAD compares: Non-Finnish European, 0.00025%; no homozygotes.

Submissions (2):

PreventionGenetics, part of Exact Sciences
Classification: Likely benign for COL9A1-related condition. Last evaluated: 2025-04-24. Review status: criteria provided, single submitter. Criteria: ACMG Guidelines, 2015. Collection method: clinical testing. Allele origin: germline.
Comment: This variant is classified as likely benign based on ACMG/AMP sequence variant interpretation guidelines (Richards et al. 2015 PMID: 25741868, with internal and published modifications).

Labcorp Genetics (formerly Invitae), Labcorp
Classification: Likely benign. Last evaluated: 2022-06-29. Review status: criteria provided, single submitter. Criteria: Invitae Variant Classification Sherloc (09022015). Collection method: clinical testing. Allele origin: germline.

NM_001851.6(COL9A1):c.969C>A (p.Gly323=)

Gene: COL9A1 (collagen type IX alpha 1 chain; minus strand). Cytogenetic location: 6q13.
Variant type: single nucleotide variant.
Coding change: c.969C>A on transcript NM_001851.6 (MANE Select); coding-DNA position 969, C replaced by A.
Protein change: p.Gly323=; no amino-acid change (glycine 323 retained).
Molecular consequence: synonymous variant. On other transcripts: non-coding transcript variant (1).
Genome position (GRCh38, 1-based): chr6:70,280,818, G>T on the plus strand (C>A on the coding strand, the complement: COL9A1 is on the minus strand). VCF-style: chr6-70280818-G-T. GRCh37 (hg19) VCF-style: chr6-70990521-G-T.
Other names: c.240C>A, p.Gly80= (NM_001377289.1, NM_001377290.1, NM_078485.4); c.969C>A, p.Gly323= (NM_001377291.1); c.969C>A (NM_001851.4).
Identifiers: ClinVar variation 1548423 (VCV001548423.9), dbSNP rs369670041, ClinGen allele CA3882546.